The following is an entry in ClinVar:

NM_000388.4(CASR):c.357A>C (p.Lys119Asn)

Gene: CASR (calcium sensing receptor; plus strand). Cytogenetic location: 3q21.1.
Variant type: single nucleotide variant.
Coding change: c.357A>C on transcript NM_000388.4 (MANE Select); coding-DNA position 357, A replaced by C.
Protein change: p.Lys119Asn; replaces lysine 119 with asparagine.
Molecular consequence: missense variant.
Genome position (GRCh38, 1-based): chr3:122,257,252, A>C. VCF-style: chr3-122257252-A-C. GRCh37 (hg19) VCF-style: chr3-121976099-A-C.
Other names: c.357A>C, p.Lys119Asn (NM_001178065.2); short protein forms K119N.
Identifiers: ClinVar variation 3754630 (VCV003754630.2).

ClinVar aggregate classification (germline): Uncertain significance (1 of 4 stars; one submission).

Conditions:
Autosomal dominant hypocalcemia 1 (HYPOC1). Also called: HYPOCALCEMIA, FAMILIAL. Identifiers: MedGen C3715128, MONDO:0011013, OMIM 601198.
Familial hypocalciuric hypercalcemia (FHH). Also called: Familial benign hypercalcemia. Identifiers: Orphanet 405, MedGen C1809471, MONDO:0018458.

Submission:

Labcorp Genetics (formerly Invitae), Labcorp
Classification: Uncertain significance for Familial hypocalciuric hypercalcemia; Autosomal dominant hypocalcemia 1. Last evaluated: 2025-10-27. Review status: criteria provided, single submitter. Criteria: Invitae Variant Classification Sherloc (09022015). Collection method: clinical testing. Allele origin: germline.
Comment: This sequence change replaces lysine, which is basic and polar, with asparagine, which is neutral and polar, at codon 119 of the CASR protein (p.Lys119Asn). This variant is not present in population databases (gnomAD no frequency). This variant has not been reported in the literature in individuals affected with CASR-related conditions. ClinVar contains an entry for this variant (Variation ID: 3754630). An algorithm developed to predict the effect of missense changes on protein structure and function (PolyPhen-2) suggests that this variant is likely to be tolerated. In summary, the available evidence is currently insufficient to determine the role of this variant in disease. Therefore, it has been classified as a Variant of Uncertain Significance.